The following is an entry in ClinVar:

ClinVar aggregate classification (germline): Conflicting classifications of pathogenicity. Review status: criteria provided, conflicting classifications (1 of 4 stars). 6 submissions from 6 submitters: Uncertain significance (4); Likely benign (2). Last evaluated 2026-06-04.

Conditions:
LRPPRC-related disorder. Also called: LRPPRC-related condition.
Congenital lactic acidosis, Saguenay-Lac-Saint-Jean type (MC4DN5). Also called: MITOCHONDRIAL COMPLEX IV DEFICIENCY, NUCLEAR TYPE 5; CYTOCHROME c OXIDASE DEFICIENCY, FRENCH CANADIAN TYPE; COX DEFICIENCY, FRENCH CANADIAN TYPE. Identifiers: Orphanet 70472, MedGen C1857355, MONDO:0009069, OMIM 220111.

Allele frequency attached by ClinVar (database versions not stated): gnomAD 0.00024 and 0.00025; TOPMed 0.00024; ExAC 0.00035; gnomAD exomes 0.00035 and 0.00042; ESP Exome Variant Server 0.00054.
gnomAD v4.1: 636 of 1,588,626 alleles (0.04%); highest among the groups gnomAD compares: Middle Eastern, 0.067%; no homozygotes.

Submissions (8):

PreventionGenetics, part of Exact Sciences
Classification: Likely benign for LRPPRC-related condition. Last evaluated: 2026-06-04. Review status: criteria provided, single submitter. Criteria: ACMG Guidelines, 2015. Collection method: clinical testing. Allele origin: germline.
Comment: This variant is classified as likely benign based on ACMG/AMP sequence variant interpretation guidelines (Richards et al. 2015 PMID: 25741868, with internal and published modifications).

Labcorp Genetics (formerly Invitae), Labcorp
Classification: Likely benign. Last evaluated: 2026-01-17. Review status: criteria provided, single submitter. Criteria: Invitae Variant Classification Sherloc (09022015). Collection method: clinical testing. Allele origin: germline.

GeneDx
Classification: Uncertain significance. Last evaluated: 2025-10-01. Review status: criteria provided, single submitter. Criteria: GeneDx Variant Classification Process June 2021. Collection method: clinical testing. Allele origin: germline. Affected: yes.
Comment: In silico analysis supports that this missense variant has a deleterious effect on protein structure/function; Reported in a study on human longevity (PMID: 35948858); In silico analysis suggests this variant may impact gene splicing. In the absence of RNA/functional studies, the actual effect of this sequence change is unknown; This variant is associated with the following publications: (PMID: 35948858)

Blueprint Genetics
Classification: Uncertain significance. Last evaluated: 2024-11-07. Review status: criteria provided, single submitter. Criteria: ACMG Guidelines, 2015. Collection method: clinical testing. Allele origin: germline.

Illumina Laboratory Services, Illumina
Classification: Uncertain significance for Congenital lactic acidosis, Saguenay-Lac-Saint-Jean type. Last evaluated: 2018-01-13. Review status: criteria provided, single submitter. Criteria: ICSL Variant Classification Criteria 13 December 2019. Collection method: clinical testing. Allele origin: germline.

Genomic Diagnostic Laboratory, Division of Genomic Diagnostics, Children's Hospital of Philadelphia
Classification: Uncertain significance. Last evaluated: 2015-04-17. Review status: criteria provided, single submitter. Criteria: DGD Variant Analysis Guidelines. Collection method: clinical testing. Allele origin: unknown.

Dr. Peter K. Rogan Lab, Western University
No classification provided (evidence only). Condition: Melanoma. Review status: no classification provided. Collection method: in vitro. Allele origin: not applicable. Functional consequence: retained intron. Not counted in ClinVar's aggregate classification.

Dr. Peter K. Rogan Lab, Western University
No classification provided (evidence only). Condition: Ovarian serous cystadenocarcinoma. Review status: no classification provided. Collection method: in vitro. Allele origin: not applicable. Functional consequence: retained intron. Not counted in ClinVar's aggregate classification.

NM_133259.4(LRPPRC):c.4132A>G (p.Ser1378Gly)

Gene: LRPPRC (leucine rich pentatricopeptide repeat containing; minus strand). Cytogenetic location: 2p21.
Variant type: single nucleotide variant.
Coding change: c.4132A>G on transcript NM_133259.4 (MANE Select); coding-DNA position 4132, A replaced by G.
Protein change: p.Ser1378Gly; replaces serine 1378 with glycine.
Molecular consequence: missense variant.
Genome position (GRCh38, 1-based): chr2:43,888,653, T>C on the plus strand (A>G on the coding strand, the complement: LRPPRC is on the minus strand). VCF-style: chr2-43888653-T-C. GRCh37 (hg19) VCF-style: chr2-44115792-T-C.
Other names: p.S1378G:AGC>GGC; short protein forms S1378G.
Identifiers: ClinVar variation 214599 (VCV000214599.24), dbSNP rs149693840, ClinGen allele CA323052.